The following is an entry in ClinVar:

NM_014797.3(ZBTB24):c.909dup (p.Lys304Ter)

Gene: ZBTB24 (zinc finger and BTB domain containing 24; minus strand). Cytogenetic location: 6q21.
Variant type: Duplication.
Coding change: c.909dup on transcript NM_014797.3 (MANE Select); coding-DNA position 909, one base duplicated (T; older notation c.909dupT).
Protein change: p.Lys304Ter; replaces lysine 304 with a stop codon.
Molecular consequence: nonsense.
Genome position (GRCh38, 1-based): chr6:109,481,118, A duplicated on the plus strand (T on the coding strand, the reverse complement: ZBTB24 is on the minus strand); the first of 3 consecutive A bases (chr6:109,481,118-109,481,120); duplicating any one gives the same sequence. VCF-style (leftmost placement, unchanged base first): chr6-109481117-T-TA. GRCh37 (hg19) VCF-style: chr6-109802320-T-TA.
Other names: c.909dup, p.Lys304Ter (NM_001164313.2); short protein forms K304*.
Identifiers: ClinVar variation 1074302 (VCV001074302.10), dbSNP rs770082593, ClinGen allele CA3954259.

ClinVar aggregate classification (germline): Pathogenic. Review status: criteria provided, multiple submitters, no conflicts (2 of 4 stars). 2 submissions from 2 submitters: Pathogenic (2). Last evaluated 2024-08-14.

Conditions:
ZBTB24-related disorder. Also called: ZBTB24-related condition.
Immunodeficiency-centromeric instability-facial anomalies syndrome 2 (ICF2). Identifiers: Orphanet 2268, MedGen C3279748, MONDO:0013553, OMIM 614069.

Submissions (2):

Blueprint Genetics
Classification: Pathogenic for ZBTB24-related disorders. Last evaluated: 2024-08-14. Review status: criteria provided, single submitter. Criteria: ACMG Guidelines, 2015. Collection method: clinical testing. Allele origin: germline. Affected: yes. Observed: 3 variant alleles.

Labcorp Genetics (formerly Invitae), Labcorp
Classification: Pathogenic for Immunodeficiency-centromeric instability-facial anomalies syndrome 2. Last evaluated: 2021-05-18. Review status: criteria provided, single submitter. Criteria: Invitae Variant Classification Sherloc (09022015). Collection method: clinical testing. Allele origin: germline.
Comment: For these reasons, this variant has been classified as Pathogenic. This variant has been observed in individual(s) with immunodeficiency-centromeric instability-facial anomalies syndrome (PMID: 28128455, 30719684). ClinVar contains an entry for this variant (Variation ID: 1074302). This variant is present in population databases (rs770082593, ExAC 0.001%). This sequence change creates a premature translational stop signal (p.Lys304*) in the ZBTB24 gene. It is expected to result in an absent or disrupted protein product. Loss-of-function variants in ZBTB24 are known to be pathogenic (PMID: 21596365).

Literature cited by the submitters: PubMed 28128455 (cited by Labcorp Genetics (formerly Invitae), Labcorp); PubMed 30719684 (cited by Labcorp Genetics (formerly Invitae), Labcorp); PubMed 21596365 (cited by Labcorp Genetics (formerly Invitae), Labcorp).